The following is an entry in ClinVar:

ClinVar aggregate classification (germline): Likely benign (1 of 4 stars; one submission).

Submission:

CeGaT Center for Human Genetics Tuebingen
Classification: Likely benign. Last evaluated: 2025-07-01. Review status: criteria provided, single submitter. Criteria: CeGaT Center For Human Genetics Tuebingen Variant Classification Criteria Version 2. Collection method: clinical testing. Allele origin: germline. Affected: yes. Observed: 2 variant alleles.
Comment: QRICH2: BP4, BP7

NM_001388453.1(QRICH2):c.2586C>G (p.Val862=)

Gene: QRICH2 (glutamine rich 2; minus strand). Cytogenetic location: 17q25.1.
Variant type: single nucleotide variant.
Coding change: c.2586C>G on transcript NM_001388453.1 (MANE Select); coding-DNA position 2586, C replaced by G.
Protein change: p.Val862=; no amino-acid change (valine 862 retained).
Molecular consequence: synonymous variant.
Genome position (GRCh38, 1-based): chr17:76,292,141, G>C on the plus strand (C>G on the coding strand, the complement: QRICH2 is on the minus strand). VCF-style: chr17-76292141-G-C. GRCh37 (hg19) VCF-style: chr17-74288222-G-C.
Other names: c.2586C>G, p.Val862= (NM_032134.3).
Identifiers: ClinVar variation 3387931 (VCV003387931.14).